The following is an entry in ClinVar:

ClinVar aggregate classification (germline): Uncertain significance (1 of 4 stars; one submission).

Conditions:
Developmental and epileptic encephalopathy, 14 (DEE14). Also called: Early infantile epileptic encephalopathy 14. Identifiers: Orphanet 293181, MedGen C3554195, MONDO:0013989, OMIM 614959.
Autosomal dominant nocturnal frontal lobe epilepsy 5. Also called: Epilepsy, nocturnal frontal lobe, 5; CILIARY DYSKINESIA, PRIMARY, 28, WITH SITUS INVERSUS; CILIARY DYSKINESIA, PRIMARY, 28, WITHOUT SITUS INVERSUS; KCNT1-Related Epilepsy. Identifiers: Orphanet 98784, MedGen C3554306, MONDO:0014002, OMIM 615005.

gnomAD v4.1: 2 of 1,601,770 alleles (0.00012%); highest among the groups gnomAD compares: South Asian, 0.0022%; no homozygotes.

Submission:

Labcorp Genetics (formerly Invitae), Labcorp
Classification: Uncertain significance for Autosomal dominant nocturnal frontal lobe epilepsy 5; Developmental and epileptic encephalopathy, 14. Last evaluated: 2024-02-17. Review status: criteria provided, single submitter. Criteria: Invitae Variant Classification Sherloc (09022015). Collection method: clinical testing. Allele origin: germline.
Comment: This sequence change replaces lysine, which is basic and polar, with threonine, which is neutral and polar, at codon 604 of the KCNT1 protein (p.Lys604Thr). This variant is not present in population databases (gnomAD no frequency). This variant has not been reported in the literature in individuals affected with KCNT1-related conditions. ClinVar contains an entry for this variant (Variation ID: 2067474). Advanced modeling of protein sequence and biophysical properties (such as structural, functional, and spatial information, amino acid conservation, physicochemical variation, residue mobility, and thermodynamic stability) performed at Invitae indicates that this missense variant is not expected to disrupt KCNT1 protein function with a negative predictive value of 80%. In summary, the available evidence is currently insufficient to determine the role of this variant in disease. Therefore, it has been classified as a Variant of Uncertain Significance.

NM_020822.3(KCNT1):c.1811A>C (p.Lys604Thr)

Gene: KCNT1 (potassium sodium-activated channel subfamily T member 1; plus strand). Cytogenetic location: 9q34.3.
Variant type: single nucleotide variant.
Coding change: c.1811A>C on transcript NM_020822.3 (MANE Select); coding-DNA position 1811, A replaced by C.
Protein change: p.Lys604Thr; replaces lysine 604 with threonine.
Molecular consequence: missense variant.
Genome position (GRCh38, 1-based): chr9:135,770,898, A>C. VCF-style: chr9-135770898-A-C. GRCh37 (hg19) VCF-style: chr9-138662744-A-C.
Other names: c.1676A>C, p.Lys559Thr (NM_001272003.2); short protein forms K604T, K559T.
Identifiers: ClinVar variation 2067474 (VCV002067474.4), dbSNP rs2490970673, ClinGen allele CA375508041.